The following is an entry in ClinVar:

ClinVar aggregate classification (germline): Conflicting classifications of pathogenicity. Review status: criteria provided, conflicting classifications (1 of 4 stars). 3 submissions from 3 submitters: Uncertain significance (2); Likely benign (1). Last evaluated 2025-07-13.

Conditions:
Primary familial hypertrophic cardiomyopathy (HCM). Identifiers: Orphanet 99739, MedGen C0949658, MeSH D024741, MONDO:0024573. Inheritance: Various modes of inheritance.
Dilated cardiomyopathy 1AA (CMD1AA). Also called: CARDIOMYOPATHY, DILATED, 1AA, WITH OR WITHOUT LEFT VENTRICULAR NONCOMPACTION; CARDIOMYOPATHY, FAMILIAL HYPERTROPHIC, 23, WITH OR WITHOUT LEFT VENTRICULAR NONCOMPACTION; Cardiomyopathy, dilated, 1AA, with or without LVNC. Identifiers: Orphanet 154, MedGen C2677338, MONDO:0012808, OMIM 612158.
Cardiomyopathy (CMYO). Also called: Cardiomyopathies. Identifiers: Orphanet 167848, MedGen C0878544, MONDO:0004994, HP:0001638. Inheritance: Various modes of inheritance.
Cardiovascular phenotype. Identifiers: MedGen CN230736.

Allele frequency attached by ClinVar (database versions not stated): gnomAD exomes below 0.00001 and 0.00002; gnomAD 0.00001; ExAC 0.00003.
gnomAD v4.1: 8 of 1,614,060 alleles (0.0005%); highest among the groups gnomAD compares: East Asian, 0.011%; no homozygotes.

Submissions (3):

Labcorp Genetics (formerly Invitae), Labcorp
Classification: Likely benign for Primary familial hypertrophic cardiomyopathy; Dilated cardiomyopathy 1AA. Last evaluated: 2025-07-13. Review status: criteria provided, single submitter. Criteria: Invitae Variant Classification Sherloc (09022015). Collection method: clinical testing. Allele origin: germline.

Ambry Genetics
Classification: Uncertain significance for Cardiovascular phenotype. Last evaluated: 2023-12-11. Review status: criteria provided, single submitter. Criteria: Ambry Variant Classification Scheme 2023. Collection method: clinical testing. Allele origin: germline.
Comment: The p.M542V variant (also known as c.1624A>G), located in coding exon 14 of the ACTN2 gene, results from an A to G substitution at nucleotide position 1624. The methionine at codon 542 is replaced by valine, an amino acid with highly similar properties. This amino acid position is conserved. In addition, this alteration is predicted to be tolerated by in silico analysis. Since supporting evidence is limited at this time, the clinical significance of this alteration remains unclear.

CHEO Genetics Diagnostic Laboratory, Children's Hospital of Eastern Ontario
Classification: Uncertain significance for Cardiomyopathy. Last evaluated: 2017-11-02. Review status: criteria provided, single submitter. Criteria: ACMG Guidelines, 2015. Collection method: clinical testing. Allele origin: germline.

NM_001103.4(ACTN2):c.1624A>G (p.Met542Val)

Gene: ACTN2 (actinin alpha 2; plus strand). Cytogenetic location: 1q43.
Variant type: single nucleotide variant.
Coding change: c.1624A>G on transcript NM_001103.4 (MANE Select); coding-DNA position 1624, A replaced by G.
Protein change: p.Met542Val; replaces methionine 542 with valine.
Molecular consequence: missense variant.
Genome position (GRCh38, 1-based): chr1:236,749,232, A>G. VCF-style: chr1-236749232-A-G. GRCh37 (hg19) VCF-style: chr1-236912532-A-G.
Other names: c.1624A>G, p.Met542Val (NM_001278343.2); c.1000A>G, p.Met334Val (NM_001278344.2); short protein forms M542V, M334V.
Identifiers: ClinVar variation 576476 (VCV000576476.11), dbSNP rs770807444, ClinGen allele CA1473205.
Genomic context (GRCh38, chr1:236,749,232, plus strand): 5'-GCCAAGAGGGCTGCTCCTTTCAACAATTGGATGGAGGGCGCTATGGAGGATCTGCAAGAT[A>G]TGTTCATTGTCCACAGCATTGAGGAGATCCAGGTAATGGAACCGCAACTCTGTATGCCCT-3'
Protein context (NP_001094.1, residues 532-552): MEGAMEDLQD[Met542Val]FIVHSIEEIQ